The following is an entry in ClinVar:

ClinVar aggregate classification (germline): Conflicting classifications of pathogenicity. Review status: criteria provided, conflicting classifications (1 of 4 stars). 3 submissions from 3 submitters: Uncertain significance (1); Likely benign (1). 1 of the submissions does not count toward it. Last evaluated 2024-12-03.

Conditions:
HEMOGLOBIN COLIMA.

Submissions (3):

ARUP Laboratories, Molecular Genetics and Genomics, ARUP Laboratories
Classification: Likely benign. Last evaluated: 2024-12-03. Review status: criteria provided, single submitter. Criteria: ARUP Molecular Germline Variant Investigation Process 2024. Collection method: clinical testing. Allele origin: germline.
Comment: The Hb Colima variant (HBB: c.149C>G; p.Ser50Cys, also known as Ser49Cys when numbered from the mature protein, rs33960931, ClinVar Variation ID: 15602, HbVar ID: 1156) is described as a stable hemoglobin variant and is reported in a heterozygous individual with normal hematology (Cobain 2002, HbVar database and references therein). This variant is absent from the Genome Aggregation Database (v2.1.1), indicating it is not a common polymorphism. Computational analyses predict that this variant is deleterious (REVEL: 0.782). Based on available information, the Hb Colima variant is considered to be likely benign. References: Link to HbVar database: Cobian JG et al. Hb Colima (beta 49(CD8)Ser-->Cys): a new hemoglobin variant. Hemoglobin. 2002 Nov;26(4):393-5. PMID: 12484635.

Quest Diagnostics Nichols Institute San Juan Capistrano
Classification: Uncertain significance. Last evaluated: 2023-01-23. Review status: criteria provided, single submitter. Criteria: Quest Diagnostics criteria. Collection method: clinical testing. Allele origin: unknown.
Comment: The HBB c.149C>G (p.Ser50Cys) variant has not been reported in large, multi-ethnic general populations. Analysis of this variant using bioinformatics tools for the prediction of the effect of amino acid changes on protein structure and function yielded predictions that this variant is damaging. Based on the available information, we are unable to determine the clinical significance of this variant.

OMIM
Classification: other for HEMOGLOBIN COLIMA. Last evaluated: 2017-12-12. Review status: no assertion criteria provided. Collection method: literature only. Allele origin: germline. Not counted in ClinVar's aggregate classification.

Literature cited by the submitters: PubMed 12484635 (cited by Quest Diagnostics Nichols Institute San Juan Capistrano and OMIM).

NM_000518.4(HBB):c.149C>G (p.Ser50Cys)

Genes: HBB (hemoglobin subunit beta; minus strand), LOC106099062 (HBB recombination region; plus strand), LOC107133510 (origin of replication at HBB; plus strand). Cytogenetic location: 11p15.4.
Variant type: single nucleotide variant.
Coding change: c.149C>G on transcript NM_000518.4; coding-DNA position 149, C replaced by G.
Protein change: p.Ser50Cys; replaces serine 50 with cysteine.
Molecular consequence: missense variant (on NM_000518.5).
Genome position (GRCh38, 1-based): chr11:5,226,743, G>C on the plus strand (C>G on the coding strand, the complement: HBB is on the minus strand). VCF-style: chr11-5226743-G-C. GRCh37 (hg19) VCF-style: chr11-5247973-G-C.
Other names: S49C; c.149C>G, p.Ser50Cys (NM_000518.5); short protein forms S50C.
Identifiers: ClinVar variation 15602 (VCV000015602.4), dbSNP rs33960931, ClinGen allele CA125514.